The following is an entry in ClinVar:

NM_030665.4(RAI1):c.5426A>G (p.Lys1809Arg)

Gene: RAI1 (retinoic acid induced 1; plus strand). Cytogenetic location: 17p11.2.
Variant type: single nucleotide variant.
Coding change: c.5426A>G on transcript NM_030665.4 (MANE Select); coding-DNA position 5426, A replaced by G.
Protein change: p.Lys1809Arg; replaces lysine 1809 with arginine.
Molecular consequence: missense variant.
Genome position (GRCh38, 1-based): chr17:17,798,374, A>G. VCF-style: chr17-17798374-A-G. GRCh37 (hg19) VCF-style: chr17-17701688-A-G.
Other names: short protein forms K1809R.
Identifiers: ClinVar variation 5040519 (VCV005040519.1).
Genomic context (GRCh38, chr17:17,798,374, plus strand): 5'-GGGAGGATGGGGGCGAGGAGGCAGCCCCAGCCGACAAGGGTCGCAAACATGAGTGCAGCA[A>G]GGAGGCTCCGGCAGAGCCCGGCGGGGAGGCCCAGGAGCACTGGGTGCATGAGGCCTGTGC-3'
Protein context (NP_109590.3, residues 1799-1819): ADKGRKHECS[Lys1809Arg]EAPAEPGGEA

ClinVar aggregate classification (germline): Uncertain significance (1 of 4 stars; one submission).

gnomAD v4.1: 1 of 1,609,216 alleles (0.000062%); highest among the groups gnomAD compares: Non-Finnish European, 0.000085%; no homozygotes.

Submission:

CeGaT Center for Human Genetics Tuebingen
Classification: Uncertain significance. Last evaluated: 2026-08-01. Review status: criteria provided, single submitter. Criteria: CeGaT Center For Human Genetics Tuebingen Variant Classification Criteria Version 2. Collection method: clinical testing. Allele origin: germline. Affected: yes. Observed: 1 variant allele.
Comment: RAI1: PM2, BP4